The following is an entry in ClinVar:

NM_020911.2(PLXNA4):c.1332T>C (p.Ser444=)

Gene: PLXNA4 (plexin A4; minus strand). Cytogenetic location: 7q32.3.
Variant type: single nucleotide variant.
Coding change: c.1332T>C on transcript NM_020911.2 (MANE Select); coding-DNA position 1332, T replaced by C.
Protein change: p.Ser444=; no amino-acid change (serine 444 retained).
Molecular consequence: synonymous variant.
Genome position (GRCh38, 1-based): chr7:132,489,331, A>G on the plus strand (T>C on the coding strand, the complement: PLXNA4 is on the minus strand). VCF-style: chr7-132489331-A-G. GRCh37 (hg19) VCF-style: chr7-132174090-A-G.
Other names: c.1332T>C, p.Ser444= (NM_001105543.2, NM_001393897.1, NM_181775.4).
Identifiers: ClinVar variation 3353611 (VCV003353611.1).
Genomic context (GRCh38, chr7:132,489,331, plus strand): 5'-AGTACTGCACCTCATTCCTACCTTCTTCAGCTTGCCACTTTTGGTGCCCACAAAGGCCAG[A>G]GAGTGGTTCTTGTAGACATATGCGATGACAGACGTCATGCGGTCCCTGTCCTCCGTGAAG-3'
Protein context (NP_065962.1, residues 434-454): SVIAYVYKNH[Ser444=]LAFVGTKSGK

ClinVar aggregate classification (germline): Likely benign (0 of 4 stars; one submission).

Conditions:
PLXNA4-related disorder. Also called: PLXNA4-related condition.

Submission:

PreventionGenetics, part of Exact Sciences
Classification: Likely benign for PLXNA4-related condition. Last evaluated: 2022-08-02. Review status: no assertion criteria provided. Collection method: clinical testing. Allele origin: germline.
Comment: This variant is classified as likely benign based on ACMG/AMP sequence variant interpretation guidelines (Richards et al. 2015 PMID: 25741868, with internal and published modifications).